The following is an entry in ClinVar:

NM_004341.5(CAD):c.2467G>A (p.Val823Met)

Genes: CAD (carbamoyl-phosphate synthetase 2, aspartate transcarbamylase, and dihydroorotase; plus strand), LOC126806171 (BRD4-independent group 4 enhancer GRCh37_chr2:27454350-27455549; plus strand). Cytogenetic location: 2p23.3.
Variant type: single nucleotide variant.
Coding change: c.2467G>A on transcript NM_004341.5 (MANE Select); coding-DNA position 2467, G replaced by A.
Protein change: p.Val823Met; replaces valine 823 with methionine.
Molecular consequence: missense variant.
Genome position (GRCh38, 1-based): chr2:27,232,046, G>A. VCF-style: chr2-27232046-G-A. GRCh37 (hg19) VCF-style: chr2-27454914-G-A.
Other names: c.2278G>A, p.Val760Met (NM_001306079.2); short protein forms V760M, V823M.
Identifiers: ClinVar variation 1997941 (VCV001997941.2), dbSNP rs1675786309, ClinGen allele CA346211347.

ClinVar aggregate classification (germline): Uncertain significance (1 of 4 stars; one submission).

Allele frequency attached by ClinVar (database versions not stated): TOPMed 0.00001.

Submission:

Labcorp Genetics (formerly Invitae), Labcorp
Classification: Uncertain significance. Last evaluated: 2022-05-22. Review status: criteria provided, single submitter. Criteria: Invitae Variant Classification Sherloc (09022015). Collection method: clinical testing. Allele origin: germline.
Comment: In summary, the available evidence is currently insufficient to determine the role of this variant in disease. Therefore, it has been classified as a Variant of Uncertain Significance. Algorithms developed to predict the effect of missense changes on protein structure and function are either unavailable or do not agree on the potential impact of this missense change (SIFT: "Deleterious"; PolyPhen-2: "Possibly Damaging"; Align-GVGD: "Class C0"). This variant has not been reported in the literature in individuals affected with CAD-related conditions. This variant is not present in population databases (gnomAD no frequency). This sequence change replaces valine, which is neutral and non-polar, with methionine, which is neutral and non-polar, at codon 823 of the CAD protein (p.Val823Met).